The following is an entry in ClinVar:

NM_177438.3(DICER1):c.3397G>A (p.Ala1133Thr)

Gene: DICER1 (dicer 1, ribonuclease III; minus strand). Cytogenetic location: 14q32.13.
Variant type: single nucleotide variant.
Coding change: c.3397G>A on transcript NM_177438.3 (MANE Select); coding-DNA position 3397, G replaced by A.
Protein change: p.Ala1133Thr; replaces alanine 1133 with threonine.
Molecular consequence: missense variant.
Genome position (GRCh38, 1-based): chr14:95,103,999, C>T on the plus strand (G>A on the coding strand, the complement: DICER1 is on the minus strand). VCF-style: chr14-95103999-C-T. GRCh37 (hg19) VCF-style: chr14-95570336-C-T.
Other names: c.3397G>A, p.Ala1133Thr (NM_001195573.1, NM_001271282.3, NM_001291628.2 and 1 more transcripts); short protein forms A1133T.
Identifiers: ClinVar variation 483449 (VCV000483449.28), dbSNP rs1555369675, ClinGen allele CA390875611.

ClinVar aggregate classification (germline): Uncertain significance. Review status: criteria provided, multiple submitters, no conflicts (2 of 4 stars). 3 submissions from 3 submitters: Uncertain significance (3). Last evaluated 2025-08-20.

Conditions:
DICER1-related tumor predisposition. Also called: DICER1-related pleuropulmonary blastoma cancer predisposition syndrome; DICER1 syndrome. Identifiers: Orphanet 284343, MedGen C3839822, MONDO:0100216.
Rhabdomyosarcoma, embryonal, 2 (RMSE2). Identifiers: MedGen C1867234, MONDO:0859046, OMIM 180295.
Global developmental delay - lung cysts - overgrowth - Wilms tumor syndrome. Also called: GLOBAL DEVELOPMENTAL DELAY, LUNG CYSTS, OVERGROWTH, AND WILMS TUMOR; GLOW Syndrome. Identifiers: Orphanet 404476, MedGen C4748924, MONDO:0018445, OMIM 618272.
Pleuropulmonary blastoma (PPB). Identifiers: Orphanet 64742, MedGen C1266144, MONDO:0011014, OMIM 601200, HP:0100528.
Euthyroid goiter (MNG1). Also called: Goiter, multinodular 1, with or without Sertoli-Leydig cell tumors; GOITER, NONTOXIC, WITH INTRATHYROIDAL CALCIFICATION; MULTINODULAR GOITER, ADOLESCENT; SIMPLE GOITER. Identifiers: Orphanet 276399, MedGen C0302859, MONDO:0007681, OMIM 138800, HP:0009798.
Hereditary cancer-predisposing syndrome. Also called: Hereditary neoplastic syndrome; Neoplastic Syndromes, Hereditary; Tumor predisposition; Hereditary Cancer Syndrome. Identifiers: Orphanet 140162, MedGen C0027672, MeSH D009386, MONDO:0015356.

gnomAD v4.1: 1 of 1,614,140 alleles (0.000062%); highest among the groups gnomAD compares: Non-Finnish European, 0.000085%; no homozygotes.

Submissions (3):

Labcorp Genetics (formerly Invitae), Labcorp
Classification: Uncertain significance for DICER1-related tumor predisposition. Last evaluated: 2025-08-20. Review status: criteria provided, single submitter. Criteria: Invitae Variant Classification Sherloc (09022015). Collection method: clinical testing. Allele origin: germline.
Comment: This sequence change replaces alanine, which is neutral and non-polar, with threonine, which is neutral and polar, at codon 1133 of the DICER1 protein (p.Ala1133Thr). This variant is not present in population databases (gnomAD no frequency). This variant has not been reported in the literature in individuals affected with DICER1-related conditions. ClinVar contains an entry for this variant (Variation ID: 483449). Invitae Evidence Modeling of protein sequence and biophysical properties (such as structural, functional, and spatial information, amino acid conservation, physicochemical variation, residue mobility, and thermodynamic stability) indicates that this missense variant is not expected to disrupt DICER1 protein function with a negative predictive value of 95%. In summary, the available evidence is currently insufficient to determine the role of this variant in disease. Therefore, it has been classified as a Variant of Uncertain Significance.

Ambry Genetics
Classification: Uncertain significance for Hereditary cancer-predisposing syndrome. Last evaluated: 2025-06-10. Review status: criteria provided, single submitter. Criteria: Ambry Variant Classification Scheme 2023. Collection method: clinical testing. Allele origin: germline.
Comment: The p.A1133T variant (also known as c.3397G>A), located in coding exon 20 of the DICER1 gene, results from a G to A substitution at nucleotide position 3397. The alanine at codon 1133 is replaced by threonine, an amino acid with similar properties. This amino acid position is well conserved in available vertebrate species. In addition, the in silico prediction for this alteration is inconclusive. Since supporting evidence is limited at this time, the clinical significance of this alteration remains unclear.

Fulgent Genetics
Classification: Uncertain significance for Euthyroid goiter; Rhabdomyosarcoma, embryonal, 2; Pleuropulmonary blastoma; Global developmental delay - lung cysts - overgrowth - Wilms tumor syndrome. Last evaluated: 2024-02-20. Review status: criteria provided, single submitter. Criteria: ACMG Guidelines, 2015. Collection method: clinical testing. Allele origin: germline.